The following is an entry in ClinVar:

NM_013975.4(LIG3):c.452G>A (p.Arg151Gln)

Gene: LIG3 (DNA ligase 3; plus strand). Cytogenetic location: 17q12.
Variant type: single nucleotide variant.
Coding change: c.452G>A on transcript NM_013975.4 (MANE Select); coding-DNA position 452, G replaced by A.
Protein change: p.Arg151Gln; replaces arginine 151 with glutamine.
Molecular consequence: missense variant.
Genome position (GRCh38, 1-based): chr17:34,983,457, G>A. VCF-style: chr17-34983457-G-A. GRCh37 (hg19) VCF-style: chr17-33310476-G-A.
Other names: c.452G>A, p.Arg151Gln (NM_002311.5); short protein forms R151Q.
Identifiers: ClinVar variation 933155 (VCV000933155.1), dbSNP rs537076655, ClinGen allele CA8498080.

ClinVar aggregate classification (germline): Likely benign (1 of 4 stars; one submission).

Allele frequency attached by ClinVar (database versions not stated): ExAC 0.00003; gnomAD exomes 0.00003 and 0.00008; gnomAD 0.00006; TOPMed 0.00008; 1000 Genomes Project 30x 0.00016; 1000 Genomes Project 0.00020.
gnomAD v4.1: 54 of 1,614,046 alleles (0.0033%); highest among the groups gnomAD compares: Admixed American, 0.055%; no homozygotes.

Submission:

Women's Health and Genetics/Laboratory Corporation of America, LabCorp
Classification: Likely benign. Last evaluated: 2020-06-16. Review status: criteria provided, single submitter. Criteria: LabCorp Variant Classification Summary - May 2015. Collection method: clinical testing. Allele origin: germline.
Comment: Variant summary: LIG3 c.452G>A (p.Arg151Gln) results in a conservative amino acid change located in the Zinc finger, PARP-type of the encoded protein sequence. Three of five in-silico tools predict a damaging effect of the variant on protein function. The variant allele was found at a frequency of 8.4e-05 in 250358 control chromosomes. The observed variant frequency is approximately 8.39 fold of the estimated maximal expected allele frequency for a pathogenic variant in LIG3 causing Arrhythmia phenotype (1e-05), strongly suggesting that the variant is benign. To our knowledge, no occurrence of c.452G>A in individuals affected with Arrhythmia and no experimental evidence demonstrating its impact on protein function have been reported. No clinical diagnostic laboratories have submitted clinical-significance assessments for this variant to ClinVar after 2014. Based on the evidence outlined above, the variant was classified as likely benign.